The following is an entry in ClinVar:

NM_002519.3(NPAT):c.3491C>T (p.Thr1164Ile)

Gene: NPAT (nuclear protein, coactivator of histone transcription; minus strand). Cytogenetic location: 11q22.3.
Variant type: single nucleotide variant.
Coding change: c.3491C>T on transcript NM_002519.3 (MANE Select); coding-DNA position 3491, C replaced by T.
Protein change: p.Thr1164Ile; replaces threonine 1164 with isoleucine.
Molecular consequence: missense variant.
Genome position (GRCh38, 1-based): chr11:108,161,595, G>A on the plus strand (C>T on the coding strand, the complement: NPAT is on the minus strand). VCF-style: chr11-108161595-G-A. GRCh37 (hg19) VCF-style: chr11-108032322-G-A.
Other names: c.3512C>T, p.Thr1171Ile (NM_001321307.1); short protein forms T1164I, T1171I.
Identifiers: ClinVar variation 4761706 (VCV004761706.1).

ClinVar aggregate classification (germline): Uncertain significance (1 of 4 stars; one submission).

Submission:

Labcorp Genetics (formerly Invitae), Labcorp
Classification: Uncertain significance. Last evaluated: 2025-10-08. Review status: criteria provided, single submitter. Criteria: Invitae Variant Classification Sherloc (09022015). Collection method: clinical testing. Allele origin: germline.
Comment: This sequence change replaces threonine, which is neutral and polar, with isoleucine, which is neutral and non-polar, at codon 1164 of the NPAT protein (p.Thr1164Ile). This variant is not present in population databases (gnomAD no frequency). This variant has not been reported in the literature in individuals affected with NPAT-related conditions. An algorithm developed to predict the effect of missense changes on protein structure and function (PolyPhen-2) suggests that this variant is likely to be disruptive. In summary, the available evidence is currently insufficient to determine the role of this variant in disease. Therefore, it has been classified as a Variant of Uncertain Significance.